The following is an entry in ClinVar:

NM_006186.4(NR4A2):c.1608A>C (p.Lys536Asn)

Gene: NR4A2 (nuclear receptor subfamily 4 group A member 2; minus strand). Cytogenetic location: 2q24.1.
Variant type: single nucleotide variant.
Coding change: c.1608A>C on transcript NM_006186.4 (MANE Select); coding-DNA position 1608, A replaced by C.
Protein change: p.Lys536Asn; replaces lysine 536 with asparagine.
Molecular consequence: missense variant.
Genome position (GRCh38, 1-based): chr2:156,325,933, T>G on the plus strand (A>C on the coding strand, the complement: NR4A2 is on the minus strand). VCF-style: chr2-156325933-T-G. GRCh37 (hg19) VCF-style: chr2-157182445-T-G.
Other names: c.1419A>C, p.Lys473Asn (NM_173173.3); short protein forms K473N, K536N.
Identifiers: ClinVar variation 5020328 (VCV005020328.1).

ClinVar aggregate classification (germline): Uncertain significance (1 of 4 stars; one submission).

Submission:

Dasa
Classification: Uncertain significance. Last evaluated: 2026-06-22. Review status: criteria provided, single submitter. Criteria: DASA Assertion Criteria. Collection method: clinical testing. Allele origin: germline.
Comment: NM_006186.4(NR4A2):c.1608A>C (p.Lys536Asn) is a missense variant that results in the substitution of lysine with asparagine. This variant is rare in population databases. Computational prediction algorithms are consistent with a deleterious effect. The currently available literature and clinical evidence are not sufficient to establish a definitive association between this variant and the reported condition. Therefore, this variant is classified as a variant of uncertain significance.